The following is an entry in ClinVar:

NM_017654.4(SAMD9):c.1852A>G (p.Ile618Val)

Gene: SAMD9 (sterile alpha motif domain containing 9; minus strand). Cytogenetic location: 7q21.2.
Variant type: single nucleotide variant.
Coding change: c.1852A>G on transcript NM_017654.4 (MANE Select); coding-DNA position 1852, A replaced by G.
Protein change: p.Ile618Val; replaces isoleucine 618 with valine.
Molecular consequence: missense variant.
Genome position (GRCh38, 1-based): chr7:93,104,246, T>C on the plus strand (A>G on the coding strand, the complement: SAMD9 is on the minus strand). VCF-style: chr7-93104246-T-C. GRCh37 (hg19) VCF-style: chr7-92733559-T-C.
Other names: c.1852A>G, p.Ile618Val (NM_001193307.2); c.1852A>G (NM_017654.3); short protein forms I618V.
Identifiers: ClinVar variation 3005949 (VCV003005949.4), dbSNP rs1211223922, ClinGen allele CA368194383.

ClinVar aggregate classification (germline): Uncertain significance. Review status: criteria provided, multiple submitters, no conflicts (2 of 4 stars). 2 submissions from 2 submitters: Uncertain significance (2). Last evaluated 2026-04-11.

Conditions:
Inborn genetic diseases. Identifiers: MedGen C0950123, MeSH D030342.

Allele frequency attached by ClinVar (database versions not stated): gnomAD exomes below 0.00001.
gnomAD v4.1: 2 of 1,613,876 alleles (0.00012%); highest among the groups gnomAD compares: Admixed American, 0.0033%; no homozygotes.

Submissions (2):

Ambry Genetics
Classification: Uncertain significance for Inborn genetic diseases. Last evaluated: 2026-04-11. Review status: criteria provided, single submitter. Criteria: Ambry Variant Classification Scheme 2023. Collection method: clinical testing. Allele origin: germline.
Comment: The p.I618V variant (also known as c.1852A>G), located in coding exon 1 of the SAMD9 gene, results from an A to G substitution at nucleotide position 1852. The isoleucine at codon 618 is replaced by valine, an amino acid with highly similar properties. This amino acid position is conserved. In addition, this alteration is predicted to be tolerated by in silico analysis. Based on the available evidence, the clinical significance of this variant remains unclear.

Labcorp Genetics (formerly Invitae), Labcorp
Classification: Uncertain significance. Last evaluated: 2024-01-31. Review status: criteria provided, single submitter. Criteria: Invitae Variant Classification Sherloc (09022015). Collection method: clinical testing. Allele origin: germline.
Comment: This sequence change replaces isoleucine, which is neutral and non-polar, with valine, which is neutral and non-polar, at codon 618 of the SAMD9 protein (p.Ile618Val). This variant is present in population databases (no rsID available, gnomAD 0.006%). This variant has not been reported in the literature in individuals affected with SAMD9-related conditions. Algorithms developed to predict the effect of missense changes on protein structure and function output the following: SIFT: "Not Available"; PolyPhen-2: "Benign"; Align-GVGD: "Not Available". The valine amino acid residue is found in multiple mammalian species, which suggests that this missense change does not adversely affect protein function. In summary, the available evidence is currently insufficient to determine the role of this variant in disease. Therefore, it has been classified as a Variant of Uncertain Significance.